The following is an entry in ClinVar:

ClinVar aggregate classification (germline): Conflicting classifications of pathogenicity. Review status: criteria provided, conflicting classifications (1 of 4 stars). 9 submissions from 9 submitters: Uncertain significance (5); Likely benign (3). 1 of the submissions does not count toward it. Last evaluated 2026-01-13.

Conditions:
Hereditary cancer-predisposing syndrome. Also called: Neoplastic Syndromes, Hereditary; Tumor predisposition; Hereditary Cancer Syndrome; Hereditary neoplastic syndrome. Identifiers: Orphanet 140162, MedGen C0027672, MeSH D009386, MONDO:0015356.
Tuberous sclerosis syndrome (TSC). Also called: Tuberous Sclerosis Complex; Tuberous sclerosis. Identifiers: Orphanet 805, MedGen C0041341, MONDO:0001734.
Tuberous sclerosis 2 (TSC2). Identifiers: Orphanet 805, MedGen C1860707, MONDO:0013199, OMIM 613254.

Allele frequency attached by ClinVar (database versions not stated): gnomAD exomes 0.00002; ExAC 0.00003; TOPMed 0.00003.
gnomAD v4.1: 6 of 1,607,612 alleles (0.00037%); highest among the groups gnomAD compares: East Asian, 0.013%; no homozygotes.

Submissions (9):

Labcorp Genetics (formerly Invitae), Labcorp
Classification: Likely benign for Tuberous sclerosis 2. Last evaluated: 2026-01-13. Review status: criteria provided, single submitter. Criteria: Invitae Variant Classification Sherloc (09022015). Collection method: clinical testing. Allele origin: germline.

Mayo Clinic Laboratories, Mayo Clinic
Classification: Uncertain significance. Last evaluated: 2024-12-11. Review status: criteria provided, single submitter. Criteria: ACMG Guidelines, 2015. Collection method: clinical testing. Allele origin: germline. Observed: 1 variant allele.
Comment: BP4

Myriad Genetics, Inc.
Classification: Likely benign for Tuberous sclerosis 2. Last evaluated: 2024-08-20. Review status: criteria provided, single submitter. Criteria: Myriad Autosomal Dominant, Autosomal Recessive and X-Linked Classification Criteria (2023). Collection method: clinical testing. Allele origin: unknown.
Comment: This variant is considered likely benign. This variant has been observed at a population frequency that is significantly greater than expected given the associated disease prevalence and penetrance.

All of Us Research Program, National Institutes of Health
Classification: Uncertain significance for Tuberous sclerosis syndrome. Last evaluated: 2023-08-23. Review status: criteria provided, single submitter. Criteria: ACMG Guidelines, 2015. Collection method: clinical testing. Allele origin: germline. Inheritance: Autosomal dominant inheritance. Observed: 2 variant alleles, 2 heterozygotes.
Comment: This missense variant replaces proline with arginine at codon 1450 of the TSC2 protein. Computational prediction is inconclusive regarding the impact of this variant on protein structure and function (internally defined REVEL score threshold 0.5 < inconclusive < 0.7, PMID: 27666373). To our knowledge, functional studies have not been reported for this variant. This variant has not been reported in individuals affected with tuberous sclerosis complex in the literature. This variant has been identified in 4/239856 chromosomes in the general population by the Genome Aggregation Database (gnomAD). The available evidence is insufficient to determine the role of this variant in disease conclusively. Therefore, this variant is classified as a Variant of Uncertain Significance.

This study involves interpretation of variants in research participants for the purpose of population health screening. Participant phenotype was not available at the time of variant classification. Additional details can be found in publication PMID: 35346344, PMCID: PMC8962531

Ambry Genetics
Classification: Likely benign for Hereditary cancer-predisposing syndrome. Last evaluated: 2022-06-15. Review status: criteria provided, single submitter. Criteria: Ambry Variant Classification Scheme 2023. Collection method: clinical testing. Allele origin: germline.

Genome-Nilou Lab
Classification: Uncertain significance for Tuberous sclerosis 2. Last evaluated: 2021-11-07. Review status: criteria provided, single submitter. Criteria: ACMG Guidelines, 2015. Collection method: clinical testing. Allele origin: germline. Affected: no.

Sema4
Classification: Uncertain significance for Hereditary cancer-predisposing syndrome. Last evaluated: 2021-06-11. Review status: criteria provided, single submitter. Criteria: Sema4 Curation Guidelines. Collection method: curation. Allele origin: germline.
Comment: The TSC2 c.4349C>G (p.P1450R) variant has been reported in one individual diagnosed with a chordoma (PMID: 34070849). In a study of Japanese patients with tuberous sclerosis, this variant was identified in a healthy control (PMID: 15024740). It was observed in 4/17966 chromosomes of the East Asian subpopulation in the large and broad cohorts of the Genome Aggregation Database (PMID: 32461654). The variant has been reported in ClinVar (Variation ID 49293). In silico tools suggest the impact of the variant on protein function is inconclusive, though these predictions have not been confirmed by functional studies. The evidence is insufficient to meet ACMG/AMP criteria for classifying the variant as benign or pathogenic. Thus, the clinical significance of this variant is currently uncertain.

Athena Diagnostics
Classification: Uncertain significance. Last evaluated: 2018-01-23. Review status: criteria provided, single submitter. Criteria: Athena Diagnostics Criteria. Collection method: clinical testing. Allele origin: germline.

Tuberous sclerosis database (TSC2)
No classification provided. Condition: TSC. Review status: no classification provided. Criteria: Tuberous Sclerosis Database Assertion Criteria 2015. Collection method: curation. Allele origin: germline. Affected: no. Not counted in ClinVar's aggregate classification.

Literature cited by the submitters: PubMed 34070849 (cited by Mayo Clinic Laboratories, Mayo Clinic and Sema4); PubMed 37160904 (cited by Mayo Clinic Laboratories, Mayo Clinic); PubMed 15024740 (cited by 3 submitters); PubMed 8634701 (cited by Ambry Genetics); PubMed 23514105 (cited by Athena Diagnostics); PubMed 25911330 (cited by Athena Diagnostics).

NM_000548.5(TSC2):c.4349C>G (p.Pro1450Arg)

Gene: TSC2 (TSC complex subunit 2; plus strand). Cytogenetic location: 16p13.3.
Variant type: single nucleotide variant.
Coding change: c.4349C>G on transcript NM_000548.5 (MANE Select); coding-DNA position 4349, C replaced by G.
Protein change: p.Pro1450Arg; replaces proline 1450 with arginine.
Molecular consequence: missense variant.
Genome position (GRCh38, 1-based): chr16:2,084,571, C>G. VCF-style: chr16-2084571-C-G. GRCh37 (hg19) VCF-style: chr16-2134572-C-G.
Other names: c.4148C>G, p.Pro1383Arg (NM_001077183.3); c.4280C>G, p.Pro1427Arg (NM_001114382.3); c.4040C>G, p.Pro1347Arg (NM_001318827.2); c.4004C>G, p.Pro1335Arg (NM_001318829.2); c.3617C>G, p.Pro1206Arg (NM_001318831.2); c.4181C>G, p.Pro1394Arg (NM_001318832.2); c.4151C>G, p.Pro1384Arg (NM_001363528.2); c.4217C>G, p.Pro1406Arg (NM_001370404.1); and 1 more; short protein forms P1450R, P1206R, P1406R, P1407R, P1347R, P1383R, P1394R, P1427R.
Identifiers: ClinVar variation 49293 (VCV000049293.23), dbSNP rs45517338, ClinGen allele CA020293.